The following is an entry in ClinVar:

ClinVar aggregate classification (germline): Likely benign. Review status: criteria provided, multiple submitters, no conflicts (2 of 4 stars). 5 submissions from 5 submitters: Likely benign (5). Last evaluated 2025-03-31.

Conditions:
GRHPR-related disorder. Also called: GRHPR-related condition.
Nephrolithiasis/nephrocalcinosis. Identifiers: MedGen CN580796.
Primary hyperoxaluria, type II (HP2). Also called: D-GLYCERATE DEHYDROGENASE DEFICIENCY; GLYCERIC ACIDURIA; GLYOXYLATE REDUCTASE/HYDROXYPYRUVATE REDUCTASE DEFICIENCY; Primary hyperoxaluria type 2; OXALOSIS II. Identifiers: Orphanet 416, Orphanet 93599, MedGen C0268165, MONDO:0009824, OMIM 260000. Disease mechanism: loss of function.

Allele frequency attached by ClinVar (database versions not stated): TOPMed 0.00004; gnomAD exomes 0.00005 and 0.00009; gnomAD 0.00007; ExAC 0.00008; ESP Exome Variant Server 0.00015.
gnomAD v4.1: 89 of 1,612,472 alleles (0.0055%); highest among the groups gnomAD compares: African/African-American, 0.013%; no homozygotes.

Submissions (5):

PreventionGenetics, part of Exact Sciences
Classification: Likely benign for GRHPR-related condition. Last evaluated: 2025-03-31. Review status: criteria provided, single submitter. Criteria: ACMG Guidelines, 2015. Collection method: clinical testing. Allele origin: germline.
Comment: This variant is classified as likely benign based on ACMG/AMP sequence variant interpretation guidelines (Richards et al. 2015 PMID: 25741868, with internal and published modifications).

Blueprint Genetics
Classification: Likely benign. Last evaluated: 2024-11-23. Review status: criteria provided, single submitter. Criteria: ACMG Guidelines, 2015. Collection method: clinical testing. Allele origin: germline.

Labcorp Genetics (formerly Invitae), Labcorp
Classification: Likely benign. Last evaluated: 2024-08-09. Review status: criteria provided, single submitter. Criteria: Invitae Variant Classification Sherloc (09022015). Collection method: clinical testing. Allele origin: germline.

Ambry Genetics
Classification: Likely benign for Nephrolithiasis/nephrocalcinosis. Last evaluated: 2022-02-17. Review status: criteria provided, single submitter. Criteria: Ambry Variant Classification Scheme 2023. Collection method: clinical testing. Allele origin: germline.

Fulgent Genetics
Classification: Likely benign for Primary hyperoxaluria, type II. Last evaluated: 2021-12-01. Review status: criteria provided, single submitter. Criteria: ACMG Guidelines, 2015. Collection method: clinical testing. Allele origin: unknown.

NM_012203.2(GRHPR):c.180C>T (p.Ser60=)

Gene: GRHPR (glyoxylate and hydroxypyruvate reductase; plus strand). Cytogenetic location: 9p13.2.
Variant type: single nucleotide variant.
Coding change: c.180C>T on transcript NM_012203.2 (MANE Select); coding-DNA position 180, C replaced by T.
Protein change: p.Ser60=; no amino-acid change (serine 60 retained).
Molecular consequence: synonymous variant.
Genome position (GRCh38, 1-based): chr9:37,424,941, C>T. VCF-style: chr9-37424941-C-T. GRCh37 (hg19) VCF-style: chr9-37424938-C-T.
Identifiers: ClinVar variation 1159513 (VCV001159513.14), dbSNP rs139689525, ClinGen allele CA5058949.
Genomic context (GRCh38, chr9:37,424,941, plus strand): 5'-CCCTGCCAAGGAGCTAGAGCGAGGTGTGGCGGGGGCCCACGGCCTGCTCTGCCTCCTCTC[C>T]GACCACGTGGACAAGAGGATCCTGGATGCTGCAGGTGCACACTGGGTGGGCAGGGGACTT-3'
Protein context (NP_036335.1, residues 50-70): AGAHGLLCLL[Ser60=]DHVDKRILDA